The following is an entry in ClinVar:

NM_144997.7(FLCN):c.1452T>G (p.Asn484Lys)

Gene: FLCN (folliculin; minus strand). Cytogenetic location: 17p11.2.
Variant type: single nucleotide variant.
Coding change: c.1452T>G on transcript NM_144997.7 (MANE Select); coding-DNA position 1452, T replaced by G.
Protein change: p.Asn484Lys; replaces asparagine 484 with lysine.
Molecular consequence: missense variant.
Genome position (GRCh38, 1-based): chr17:17,215,071, A>C on the plus strand (T>G on the coding strand, the complement: FLCN is on the minus strand). VCF-style: chr17-17215071-A-C. GRCh37 (hg19) VCF-style: chr17-17118385-A-C.
Other names: c.1452T>G, p.Asn484Lys (NM_001353231.2, NM_001353230.2); c.1506T>G, p.Asn502Lys (NM_001353229.2); short protein forms N502K, N484K.
Identifiers: ClinVar variation 5021812 (VCV005021812.1).

ClinVar aggregate classification (germline): Uncertain significance (1 of 4 stars; one submission).

Conditions:
Hereditary cancer-predisposing syndrome. Also called: Neoplastic Syndromes, Hereditary; Tumor predisposition; Hereditary neoplastic syndrome; Hereditary Cancer Syndrome. Identifiers: Orphanet 140162, MedGen C0027672, MeSH D009386, MONDO:0015356.

gnomAD v4.1: 1 of 1,614,088 alleles (0.000062%); highest among the groups gnomAD compares: Non-Finnish European, 0.000085%; no homozygotes.

Submission:

Ambry Genetics
Classification: Uncertain significance for Hereditary cancer-predisposing syndrome. Last evaluated: 2026-08-29. Review status: criteria provided, single submitter. Criteria: Ambry Variant Classification Scheme 2023. Collection method: clinical testing. Allele origin: germline.
Comment: The p.N484K variant (also known as c.1452T>G), located in coding exon 10 of the FLCN gene, results from a T to G substitution at nucleotide position 1452. The asparagine at codon 484 is replaced by lysine, an amino acid with similar properties. This amino acid position is conserved. In addition, this alteration is predicted to be tolerated by in silico analysis. Based on the available evidence, the clinical significance of this variant remains unclear.